The following is an entry in ClinVar:

NM_001020658.2(PUM1):c.153T>C (p.Ala51=)

Gene: PUM1 (pumilio RNA binding family member 1; minus strand). Cytogenetic location: 1p35.2.
Variant type: single nucleotide variant.
Coding change: c.153T>C on transcript NM_001020658.2 (MANE Select); coding-DNA position 153, T replaced by C.
Protein change: p.Ala51=; no amino-acid change (alanine 51 retained).
Molecular consequence: synonymous variant.
Genome position (GRCh38, 1-based): chr1:31,059,414, A>G on the plus strand (T>C on the coding strand, the complement: PUM1 is on the minus strand). VCF-style: chr1-31059414-A-G. GRCh37 (hg19) VCF-style: chr1-31532261-A-G.
Other names: c.153T>C, p.Ala51= (NM_014676.3).
Identifiers: ClinVar variation 3049405 (VCV003049405.2), dbSNP rs138937176, ClinGen allele CA729496.
Genomic context (GRCh38, chr1:31,059,414, plus strand): 5'-AACTCCTATAGATCCTGGGACAGGGCTGGAGTGAGTCCCAGCTGCAAGAGCCTGATTTGC[A>G]GCTGGTTGTGGCTGCGCTTGCGACCCTGTTCCAGATGTCAAAACAACAGGCATGTTGGGA-3'
Protein context (NP_001018494.1, residues 41-61): GTGSQAQPQP[Ala51=]ANQALAAGTH

ClinVar aggregate classification (germline): Likely benign (0 of 4 stars; one submission).

Conditions:
PUM1-related disorder. Also called: PUM1-related disorders; PUM1-related condition.

Allele frequency attached by ClinVar (database versions not stated): TOPMed 0.00005; gnomAD 0.00006; ExAC 0.00012; 1000 Genomes Project 30x 0.00031; 1000 Genomes Project 0.00040.
gnomAD v4.1: 139 of 1,614,168 alleles (0.0086%); highest among the groups gnomAD compares: East Asian, 0.3%; no homozygotes.

Submission:

PreventionGenetics, part of Exact Sciences
Classification: Likely benign for PUM1-related condition. Last evaluated: 2019-07-10. Review status: no assertion criteria provided. Collection method: clinical testing. Allele origin: germline.
Comment: This variant is classified as likely benign based on ACMG/AMP sequence variant interpretation guidelines (Richards et al. 2015 PMID: 25741868, with internal and published modifications).